The following is an entry in ClinVar:

ClinVar aggregate classification (germline): Uncertain significance (1 of 4 stars; one submission).

Submission:

Labcorp Genetics (formerly Invitae), Labcorp
Classification: Uncertain significance. Last evaluated: 2022-12-14. Review status: criteria provided, single submitter. Criteria: Invitae Variant Classification Sherloc (09022015). Collection method: clinical testing. Allele origin: germline.
Comment: In summary, the available evidence is currently insufficient to determine the role of this variant in disease. Therefore, it has been classified as a Variant of Uncertain Significance. Advanced modeling of protein sequence and biophysical properties (such as structural, functional, and spatial information, amino acid conservation, physicochemical variation, residue mobility, and thermodynamic stability) performed at Invitae indicates that this missense variant is expected to disrupt CTNNA1 protein function. This variant has not been reported in the literature in individuals affected with CTNNA1-related conditions. This variant is not present in population databases (gnomAD no frequency). This sequence change replaces proline, which is neutral and non-polar, with arginine, which is basic and polar, at codon 462 of the CTNNA1 protein (p.Pro462Arg).

NM_001903.5(CTNNA1):c.1385C>G (p.Pro462Arg)

Gene: CTNNA1 (catenin alpha 1; plus strand). Cytogenetic location: 5q31.2.
Variant type: single nucleotide variant.
Coding change: c.1385C>G on transcript NM_001903.5 (MANE Select); coding-DNA position 1385, C replaced by G.
Protein change: p.Pro462Arg; replaces proline 462 with arginine.
Molecular consequence: missense variant. On other transcripts: 5 prime UTR variant (4), intron variant (3).
Genome position (GRCh38, 1-based): chr5:138,904,437, C>G. VCF-style: chr5-138904437-C-G. GRCh37 (hg19) VCF-style: chr5-138240126-C-G.
Other names: c.275C>G, p.Pro92Arg (NM_001323990.1, NM_001323991.1, NM_001323992.1 and 17 more transcripts); c.-123C>G (NM_001324006.1, NM_001324007.1, NM_001324008.1 and 1 more transcripts); c.32C>G, p.Pro11Arg (NM_001324012.1, NM_001324013.1); c.1297-13305C>G (NM_001323986.2); c.187-13305C>G (NM_001324011.1); c.-60-13305C>G (NM_001324010.1); c.1076C>G, p.Pro359Arg (NM_001290309.3); c.1016C>G, p.Pro339Arg (NM_001290310.3); and 1 more; short protein forms P359R, P92R, P11R, P339R, P462R.
Identifiers: ClinVar variation 2820644 (VCV002820644.3), dbSNP rs977288078, ClinGen allele CA361136051.